The following is an entry in ClinVar:

NM_181882.3(PRX):c.2077C>G (p.Leu693Val)

Gene: PRX (periaxin; minus strand). Cytogenetic location: 19q13.2.
Variant type: single nucleotide variant.
Coding change: c.2077C>G on transcript NM_181882.3 (MANE Select); coding-DNA position 2077, C replaced by G.
Protein change: p.Leu693Val; replaces leucine 693 with valine.
Molecular consequence: missense variant. On other transcripts: 3 prime UTR variant (1).
Genome position (GRCh38, 1-based): chr19:40,396,275, G>C on the plus strand (C>G on the coding strand, the complement: PRX is on the minus strand). VCF-style: chr19-40396275-G-C. GRCh37 (hg19) VCF-style: chr19-40902182-G-C.
Other names: c.*2282C>G (NM_020956.2); short protein forms L693V.
Identifiers: ClinVar variation 543393 (VCV000543393.8), dbSNP rs758696889, ClinGen allele CA9444127.

ClinVar aggregate classification (germline): Uncertain significance (1 of 4 stars; one submission).

Conditions:
Charcot-Marie-Tooth disease type 4. Also called: Charcot-Marie-Tooth, Type 4; Charcot-Marie-Tooth disease, type IV. Identifiers: Orphanet 64749, MedGen C4082197, MONDO:0018995.

Allele frequency attached by ClinVar (database versions not stated): gnomAD exomes below 0.00001; ExAC 0.00001.
gnomAD v4.1: 2 of 1,613,758 alleles (0.00012%); highest among the groups gnomAD compares: Non-Finnish European, 0.00017%; no homozygotes.

Submission:

Labcorp Genetics (formerly Invitae), Labcorp
Classification: Uncertain significance for Charcot-Marie-Tooth disease type 4. Last evaluated: 2017-12-16. Review status: criteria provided, single submitter. Criteria: Invitae Variant Classification Sherloc (09022015). Collection method: clinical testing. Allele origin: germline.
Comment: This variant has not been reported in the literature in individuals with PRX-related disease. In summary, the available evidence is currently insufficient to determine the role of this variant in disease. Therefore, it has been classified as a Variant of Uncertain Significance. Algorithms developed to predict the effect of missense changes on protein structure and function output the following: SIFT: "Tolerated"; PolyPhen-2: "Possibly Damaging"; Align-GVGD: "Class C0". The valine amino acid residue is found in multiple mammalian species, suggesting that this missense change does not adversely affect protein function. These predictions have not been confirmed by published functional studies and their clinical significance is uncertain. This variant is present in population databases (rs758696889, ExAC 0.001%). This sequence change replaces leucine with valine at codon 693 of the PRX protein (p.Leu693Val). The leucine residue is moderately conserved and there is a small physicochemical difference between leucine and valine.